The following is an entry in ClinVar:

NM_016169.4(SUFU):c.910G>A (p.Asp304Asn)

Gene: SUFU (SUFU negative regulator of hedgehog signaling; plus strand). Cytogenetic location: 10q24.32.
Variant type: single nucleotide variant.
Coding change: c.910G>A on transcript NM_016169.4 (MANE Select); coding-DNA position 910, G replaced by A.
Protein change: p.Asp304Asn; replaces aspartic acid 304 with asparagine.
Molecular consequence: missense variant.
Genome position (GRCh38, 1-based): chr10:102,597,293, G>A. VCF-style: chr10-102597293-G-A. GRCh37 (hg19) VCF-style: chr10-104357050-G-A.
Other names: c.910G>A, p.Asp304Asn (NM_001178133.2); short protein forms D304N.
Identifiers: ClinVar variation 2928603 (VCV002928603.4), dbSNP rs1385719041, ClinGen allele CA377910901.

ClinVar aggregate classification (germline): Uncertain significance. Review status: criteria provided, multiple submitters, no conflicts (2 of 4 stars). 2 submissions from 2 submitters: Uncertain significance (2). Last evaluated 2023-10-18.

Conditions:
Medulloblastoma (MDB). Also called: MEDULLOBLASTOMA PREDISPOSITION SYNDROME; Medulloblastoma, somatic. Identifiers: Orphanet 616, MedGen C0025149, MeSH D008527, MONDO:0007959, OMIM 155255, HP:0002885.
Gorlin syndrome. Also called: Nevoid Basal Cell Carcinoma Syndrome; Basal cell nevus syndrome. Identifiers: Orphanet 377, MedGen C0004779, MONDO:0007187.
Hereditary cancer-predisposing syndrome. Also called: Neoplastic Syndromes, Hereditary; Tumor predisposition; Hereditary Cancer Syndrome; Hereditary neoplastic syndrome. Identifiers: Orphanet 140162, MedGen C0027672, MeSH D009386, MONDO:0015356.

gnomAD v4.1: 1 of 1,612,256 alleles (0.000062%); highest among the groups gnomAD compares: Non-Finnish European, 0.000085%; no homozygotes.

Submissions (2):

Ambry Genetics
Classification: Uncertain significance for Hereditary cancer-predisposing syndrome. Last evaluated: 2023-10-18. Review status: criteria provided, single submitter. Criteria: Ambry Variant Classification Scheme 2023. Collection method: clinical testing. Allele origin: germline.
Comment: The c.910G>A variant (also known as p.D304N), located in coding exon 7 of the SUFU gene, results from a G to A substitution at nucleotide position 910. The amino acid change results in aspartic acid to asparagine at codon 304, an amino acid with highly similar properties. However, this change occurs in the last base pair of coding exon 7, which makes it likely to have some effect on normal mRNA splicing. This nucleotide position is highly conserved in available vertebrate species. This amino acid position is highly conserved in available vertebrate species. In silico splice site analysis for this alteration is inconclusive. However, RNA studies have demonstrated that this alteration does not result in abnormal splicing in the set of samples tested (Ambry internal data). In addition, as a missense alteration. this alteration is predicted to be tolerated by in silico analysis. Since supporting evidence is limited at this time, the clinical significance of this alteration remains unclear.

Labcorp Genetics (formerly Invitae), Labcorp
Classification: Uncertain significance for Gorlin syndrome; Medulloblastoma. Last evaluated: 2022-12-15. Review status: criteria provided, single submitter. Criteria: Invitae Variant Classification Sherloc (09022015). Collection method: clinical testing. Allele origin: germline.
Comment: This variant has not been reported in the literature in individuals affected with SUFU-related conditions. In summary, the available evidence is currently insufficient to determine the role of this variant in disease. Therefore, it has been classified as a Variant of Uncertain Significance. Variants that disrupt the consensus splice site are a relatively common cause of aberrant splicing (PMID: 17576681, 9536098). Algorithms developed to predict the effect of sequence changes on RNA splicing suggest that this variant may disrupt the consensus splice site. Algorithms developed to predict the effect of missense changes on protein structure and function are either unavailable or do not agree on the potential impact of this missense change (SIFT: "Tolerated"; PolyPhen-2: "Possibly Damaging"; Align-GVGD: "Class C0"). This variant is not present in population databases (gnomAD no frequency). This sequence change replaces aspartic acid, which is acidic and polar, with asparagine, which is neutral and polar, at codon 304 of the SUFU protein (p.Asp304Asn). This variant also falls at the last nucleotide of exon 7, which is part of the consensus splice site for this exon.

Literature cited by the submitters: PubMed 17576681 (cited by Labcorp Genetics (formerly Invitae), Labcorp); PubMed 9536098 (cited by Labcorp Genetics (formerly Invitae), Labcorp).